The following is an entry in ClinVar:

NM_001170700.3(DTHD1):c.1682C>G (p.Ala561Gly)

Gene: DTHD1 (death domain containing 1; plus strand). Cytogenetic location: 4p14.
Variant type: single nucleotide variant.
Coding change: c.1682C>G on transcript NM_001170700.3 (MANE Select); coding-DNA position 1682, C replaced by G.
Protein change: p.Ala561Gly; replaces alanine 561 with glycine.
Molecular consequence: missense variant. On other transcripts: non-coding transcript variant (2).
Genome position (GRCh38, 1-based): chr4:36,306,229, C>G. VCF-style: chr4-36306229-C-G. GRCh37 (hg19) VCF-style: chr4-36307851-C-G.
Other names: c.812C>G, p.Ala271Gly (NM_001136536.5); c.749C>G, p.Ala250Gly (NM_001378435.1); short protein forms A271G, A250G, A561G.
Identifiers: ClinVar variation 3651128 (VCV003651128.2).

ClinVar aggregate classification (germline): Uncertain significance (1 of 4 stars; one submission).

Submission:

Labcorp Genetics (formerly Invitae), Labcorp
Classification: Uncertain significance. Last evaluated: 2024-05-02. Review status: criteria provided, single submitter. Criteria: Invitae Variant Classification Sherloc (09022015). Collection method: clinical testing. Allele origin: germline.
Comment: This sequence change replaces alanine, which is neutral and non-polar, with glycine, which is neutral and non-polar, at codon 271 of the DTHD1 protein (p.Ala271Gly). This variant is not present in population databases (gnomAD no frequency). This variant has not been reported in the literature in individuals affected with DTHD1-related conditions. An algorithm developed to predict the effect of missense changes on protein structure and function (PolyPhen-2) suggests that this variant is likely to be tolerated. In summary, the available evidence is currently insufficient to determine the role of this variant in disease. Therefore, it has been classified as a Variant of Uncertain Significance.